The following is an entry in ClinVar:

ClinVar aggregate classification (germline): Uncertain significance (1 of 4 stars; one submission).

Conditions:
Hereditary cancer-predisposing syndrome. Also called: Hereditary Cancer Syndrome; Neoplastic Syndromes, Hereditary; Tumor predisposition; Hereditary neoplastic syndrome. Identifiers: Orphanet 140162, MedGen C0027672, MeSH D009386, MONDO:0015356.

Submission:

Ambry Genetics
Classification: Uncertain significance for Hereditary cancer-predisposing syndrome. Last evaluated: 2026-07-07. Review status: criteria provided, single submitter. Criteria: Ambry Variant Classification Scheme 2023. Collection method: clinical testing. Allele origin: germline.
Comment: The p.R958S variant (also known as c.2872C>A), located in coding exon 24 of the EGFR gene, results from a C to A substitution at nucleotide position 2872. The arginine at codon 958 is replaced by serine, an amino acid with dissimilar properties. This amino acid position is conserved. In addition, this alteration is predicted to be deleterious by in silico analysis. Based on the available evidence, the clinical significance of this variant remains unclear.

NM_005228.5(EGFR):c.2872C>A (p.Arg958Ser)

Gene: EGFR (epidermal growth factor receptor; plus strand). Cytogenetic location: 7p11.2.
Variant type: single nucleotide variant.
Coding change: c.2872C>A on transcript NM_005228.5 (MANE Select); coding-DNA position 2872, C replaced by A.
Protein change: p.Arg958Ser; replaces arginine 958 with serine.
Molecular consequence: missense variant.
Genome position (GRCh38, 1-based): chr7:55,200,339, C>A. VCF-style: chr7-55200339-C-A. GRCh37 (hg19) VCF-style: chr7-55268032-C-A.
Other names: c.2737C>A, p.Arg913Ser (NM_001346897.2, NM_001346899.2); c.2872C>A, p.Arg958Ser (NM_001346898.2); c.2713C>A, p.Arg905Ser (NM_001346900.2); c.2071C>A, p.Arg691Ser (NM_001346941.2); short protein forms R691S, R905S, R913S, R958S.
Identifiers: ClinVar variation 5035774 (VCV005035774.1).
Genomic context (GRCh38, chr7:55,200,339, plus strand): 5'-GTTCTAATTGCACTGTTTTTTCTCATTCCTTCCCCAGGCTGGATGATAGACGCAGATAGT[C>A]GCCCAAAGTTCCGTGAGTTGATCATCGAATTCTCCAAAATGGCCCGAGACCCCCAGCGCT-3'
Protein context (NP_005219.2, residues 948-968): VKCWMIDADS[Arg958Ser]PKFRELIIEF